The following is an entry in ClinVar:

NM_001206927.2(DNAH8):c.6137A>G (p.Tyr2046Cys)

Gene: DNAH8 (dynein axonemal heavy chain 8; plus strand). Cytogenetic location: 6p21.2.
Variant type: single nucleotide variant.
Coding change: c.6137A>G on transcript NM_001206927.2 (MANE Select); coding-DNA position 6137, A replaced by G.
Protein change: p.Tyr2046Cys; replaces tyrosine 2046 with cysteine.
Molecular consequence: missense variant.
Genome position (GRCh38, 1-based): chr6:38,862,285, A>G. VCF-style: chr6-38862285-A-G. GRCh37 (hg19) VCF-style: chr6-38830061-A-G.
Other names: c.5486A>G, p.Tyr1829Cys (NM_001371.4); short protein forms Y2046C, Y1829C.
Identifiers: ClinVar variation 454586 (VCV000454586.9), dbSNP rs200037660, ClinGen allele CA3789592.

ClinVar aggregate classification (germline): Uncertain significance. Review status: criteria provided, multiple submitters, no conflicts (2 of 4 stars). 3 submissions from 3 submitters: Uncertain significance (3). Last evaluated 2024-07-19.

Conditions:
Primary ciliary dyskinesia. Also called: Ciliary dyskinesia. Identifiers: Orphanet 244, MedGen C0008780, MONDO:0016575, HP:0012265.

Allele frequency attached by ClinVar (database versions not stated): ESP Exome Variant Server 0.00008; gnomAD exomes 0.00017 and 0.00027; ExAC 0.00024; gnomAD 0.00032 and 0.00035; TOPMed 0.00036.
gnomAD v4.1: 311 of 1,612,414 alleles (0.019%); highest among the groups gnomAD compares: Middle Eastern, 0.099%; no homozygotes.

Submissions (3):

Ambry Genetics
Classification: Uncertain significance. Last evaluated: 2024-07-19. Review status: criteria provided, single submitter. Criteria: Ambry Variant Classification Scheme 2023. Collection method: clinical testing. Allele origin: germline.

Labcorp Genetics (formerly Invitae), Labcorp
Classification: Uncertain significance for Primary ciliary dyskinesia. Last evaluated: 2023-12-09. Review status: criteria provided, single submitter. Criteria: Invitae Variant Classification Sherloc (09022015). Collection method: clinical testing. Allele origin: germline.
Comment: This sequence change replaces tyrosine, which is neutral and polar, with cysteine, which is neutral and slightly polar, at codon 2046 of the DNAH8 protein (p.Tyr2046Cys). This variant is present in population databases (rs200037660, gnomAD 0.09%). This variant has not been reported in the literature in individuals affected with DNAH8-related conditions. ClinVar contains an entry for this variant (Variation ID: 454586). Advanced modeling of protein sequence and biophysical properties (such as structural, functional, and spatial information, amino acid conservation, physicochemical variation, residue mobility, and thermodynamic stability) performed at Invitae indicates that this missense variant is expected to disrupt DNAH8 protein function with a positive predictive value of 80%. In summary, the available evidence is currently insufficient to determine the role of this variant in disease. Therefore, it has been classified as a Variant of Uncertain Significance.

Breakthrough Genomics
Classification: Uncertain significance. Review status: criteria provided, single submitter. Criteria: ACMG Guidelines, 2015. Collection method: not provided. Allele origin: germline. Inheritance: Autosomal recessive inheritance. Affected: yes.